The following is an entry in ClinVar:

ClinVar aggregate classification (germline): Uncertain significance. Review status: criteria provided, multiple submitters, no conflicts (2 of 4 stars). 5 submissions from 5 submitters: Uncertain significance (5). Last evaluated 2026-07-20.

Conditions:
WNK1-related disorder. Also called: WNK1-related condition.
Neuropathy, hereditary sensory and autonomic, type 2A (HSAN2A). Also called: HSAN IIA; ACROOSTEOLYSIS, GIACCAI TYPE; ACROOSTEOLYSIS, NEUROGENIC; MORVAN DISEASE; NEUROPATHY, CONGENITAL SENSORY; NEUROPATHY, HEREDITARY SENSORY RADICULAR, AUTOSOMAL RECESSIVE. Identifiers: Orphanet 970, MedGen C2752089, MONDO:0024309, OMIM 201300.
Pseudohypoaldosteronism type 2C (PHA2C). Also called: Pseudohypoaldosteronism Type IIC. Identifiers: Orphanet 757, Orphanet 88940, MedGen C1840391, MONDO:0013778, OMIM 614492.

Allele frequency attached by ClinVar (database versions not stated): ExAC 0.00003; gnomAD 0.00003 and 0.00004; gnomAD exomes 0.00004; TOPMed 0.00009.
gnomAD v4.1: 50 of 1,614,058 alleles (0.0031%); highest among the groups gnomAD compares: East Asian, 0.031%; no homozygotes.

Submissions (5):

PreventionGenetics, part of Exact Sciences
Classification: Uncertain significance for WNK1-related condition. Last evaluated: 2026-07-20. Review status: criteria provided, single submitter. Criteria: ACMG Guidelines, 2015. Collection method: clinical testing. Allele origin: germline.
Comment: The WNK1 c.4388G>A variant is predicted to result in the amino acid substitution p.Ser1463Asn. To our knowledge, this variant has not been reported in the literature. This variant is reported in 0.025% of alleles in individuals of East Asian descent in gnomAD. At this time, the clinical significance of this variant is uncertain due to the absence of conclusive functional and genetic evidence.

Mayo Clinic Laboratories, Mayo Clinic
Classification: Uncertain significance. Last evaluated: 2025-10-08. Review status: criteria provided, single submitter. Criteria: ACMG Guidelines, 2015. Collection method: clinical testing. Allele origin: germline. Observed: 1 variant allele.
Comment: BP4_moderate, PM2_supporting

Labcorp Genetics (formerly Invitae), Labcorp
Classification: Uncertain significance for Neuropathy, hereditary sensory and autonomic, type 2A; Pseudohypoaldosteronism type 2C. Last evaluated: 2025-07-30. Review status: criteria provided, single submitter. Criteria: Invitae Variant Classification Sherloc (09022015). Collection method: clinical testing. Allele origin: germline.
Comment: This sequence change replaces serine, which is neutral and polar, with asparagine, which is neutral and polar, at codon 1715 of the WNK1 protein (p.Ser1715Asn). This variant is present in population databases (rs757201529, gnomAD 0.03%). This variant has not been reported in the literature in individuals affected with WNK1-related conditions. ClinVar contains an entry for this variant (Variation ID: 471188). Invitae Evidence Modeling of protein sequence and biophysical properties (such as structural, functional, and spatial information, amino acid conservation, physicochemical variation, residue mobility, and thermodynamic stability) indicates that this missense variant is not expected to disrupt WNK1 protein function with a negative predictive value of 95%. In summary, the available evidence is currently insufficient to determine the role of this variant in disease. Therefore, it has been classified as a Variant of Uncertain Significance.

Blueprint Genetics
Classification: Uncertain significance. Last evaluated: 2024-07-30. Review status: criteria provided, single submitter. Criteria: ACMG Guidelines, 2015. Collection method: clinical testing. Allele origin: germline.

Fulgent Genetics
Classification: Uncertain significance for Neuropathy, hereditary sensory and autonomic, type 2A; Pseudohypoaldosteronism type 2C. Last evaluated: 2022-03-10. Review status: criteria provided, single submitter. Criteria: ACMG Guidelines, 2015. Collection method: clinical testing. Allele origin: unknown.

NM_018979.4(WNK1):c.4388G>A (p.Ser1463Asn)

Gene: WNK1 (WNK lysine deficient protein kinase 1; plus strand). Cytogenetic location: 12p13.33.
Variant type: single nucleotide variant.
Coding change: c.4388G>A on transcript NM_018979.4 (MANE Select); coding-DNA position 4388, G replaced by A.
Protein change: p.Ser1463Asn; replaces serine 1463 with asparagine.
Molecular consequence: missense variant.
Genome position (GRCh38, 1-based): chr12:885,192, G>A. VCF-style: chr12-885192-G-A. GRCh37 (hg19) VCF-style: chr12-994358-G-A.
Other names: p.Ser1715Asn; c.5168G>A, p.Ser1723Asn (NM_001184985.2); c.3647G>A, p.Ser1216Asn (NM_014823.3); c.5144G>A, p.Ser1715Asn (NM_213655.5); c.5144G>A (NM_213655.4); short protein forms S1715N, S1463N, S1216N, S1723N.
Identifiers: ClinVar variation 471188 (VCV000471188.13), dbSNP rs757201529, ClinGen allele CA6382968.